The following is an entry in ClinVar:

NM_182914.3(SYNE2):c.10294A>C (p.Thr3432Pro)

Gene: SYNE2 (spectrin repeat containing nuclear envelope protein 2; plus strand). Cytogenetic location: 14q23.2.
Variant type: single nucleotide variant.
Coding change: c.10294A>C on transcript NM_182914.3 (MANE Select); coding-DNA position 10294, A replaced by C.
Protein change: p.Thr3432Pro; replaces threonine 3432 with proline.
Molecular consequence: missense variant.
Genome position (GRCh38, 1-based): chr14:64,065,513, A>C. VCF-style: chr14-64065513-A-C. GRCh37 (hg19) VCF-style: chr14-64532231-A-C.
Other names: c.10294A>C, p.Thr3432Pro (NM_015180.6); short protein forms T3432P.
Identifiers: ClinVar variation 2891982 (VCV002891982.3), dbSNP rs1160491004, ClinGen allele CA389991167.

ClinVar aggregate classification (germline): Uncertain significance (1 of 4 stars; one submission).

Conditions:
Emery-Dreifuss muscular dystrophy 5, autosomal dominant (EDMD5). Also called: EMERY-DREIFUSS MUSCULAR DYSTROPHY 5. Identifiers: Orphanet 261, MedGen C2751805, MONDO:0013072, OMIM 612999.

Allele frequency attached by ClinVar (database versions not stated): gnomAD exomes below 0.00001; gnomAD 0.00001.
gnomAD v4.1: 7 of 1,614,014 alleles (0.00043%); highest among the groups gnomAD compares: Non-Finnish European, 0.00017%; no homozygotes.

Submission:

Labcorp Genetics (formerly Invitae), Labcorp
Classification: Uncertain significance for Emery-Dreifuss muscular dystrophy 5, autosomal dominant. Last evaluated: 2023-07-18. Review status: criteria provided, single submitter. Criteria: Invitae Variant Classification Sherloc (09022015). Collection method: clinical testing. Allele origin: germline.
Comment: In summary, the available evidence is currently insufficient to determine the role of this variant in disease. Therefore, it has been classified as a Variant of Uncertain Significance. An algorithm developed to predict the effect of missense changes on protein structure and function (PolyPhen-2) suggests that this variant is likely to be disruptive. This variant has not been reported in the literature in individuals affected with SYNE2-related conditions. This variant is present in population databases (no rsID available, gnomAD 0.01%). This sequence change replaces threonine, which is neutral and polar, with proline, which is neutral and non-polar, at codon 3432 of the SYNE2 protein (p.Thr3432Pro).